The following is an entry in ClinVar:

NM_006005.3(WFS1):c.1770G>A (p.Thr590=)

Gene: WFS1 (wolframin ER transmembrane glycoprotein; plus strand). Cytogenetic location: 4p16.1.
Variant type: single nucleotide variant.
Coding change: c.1770G>A on transcript NM_006005.3 (MANE Select); coding-DNA position 1770, G replaced by A.
Protein change: p.Thr590=; no amino-acid change (threonine 590 retained).
Molecular consequence: synonymous variant.
Genome position (GRCh38, 1-based): chr4:6,301,565, G>A. VCF-style: chr4-6301565-G-A. GRCh37 (hg19) VCF-style: chr4-6303292-G-A.
Other names: c.1770G>A, p.Thr590= (NM_001145853.1).
Identifiers: ClinVar variation 389414 (VCV000389414.25), dbSNP rs71532858, ClinGen allele CA2839484.

ClinVar aggregate classification (germline): Benign/Likely benign. Review status: criteria provided, multiple submitters, no conflicts (2 of 4 stars). 6 submissions from 6 submitters: Benign (1); Likely benign (5). Last evaluated 2026-06-16.

Conditions:
WFS1-related disorder. Identifiers: MedGen CN379391, MONDO:0700293.
Wolfram-like syndrome. Also called: HEARING LOSS, PROGRESSIVE, WITH OPTIC ATROPHY AND/OR IMPAIRED GLUCOSE REGULATION. Identifiers: Orphanet 411590, MedGen C3280358, MONDO:0013673, OMIM 614296.
Autosomal dominant nonsyndromic hearing loss 6 (LFSNHL). Also called: DEAFNESS, AUTOSOMAL DOMINANT 6; DEAFNESS, AUTOSOMAL DOMINANT 14; DEAFNESS, AUTOSOMAL DOMINANT 38; Autosomal dominant nonsyndromic deafness 6. Identifiers: Orphanet 90635, MedGen C1833021, MONDO:0010963, OMIM 600965.
Type 2 diabetes mellitus. Also called: Type II diabetes mellitus. Identifiers: MedGen C0011860, MeSH D003924, MONDO:0005148, OMIM 125853, HP:0005978.
Wolfram syndrome 1 (WFS1). Identifiers: Orphanet 3463, MedGen C4551693, MONDO:0009101, OMIM 222300.
Cataract 41 (CTRCT41). Also called: CATARACT 41, CONGENITAL NUCLEAR TYPE. Identifiers: Orphanet 91492, Orphanet 98991, Orphanet 98992, Orphanet 98995, MedGen C3805412, MONDO:0007287, OMIM 116400.

Allele frequency attached by ClinVar (database versions not stated): ExAC 0.00006; gnomAD 0.00009; TOPMed 0.00014; 1000 Genomes Project 30x 0.00016; 1000 Genomes Project 0.00020.
gnomAD v4.1: 110 of 1,614,158 alleles (0.0068%); highest among the groups gnomAD compares: Middle Eastern, 0.033%; no homozygotes.

Submissions (6):

PreventionGenetics, part of Exact Sciences
Classification: Likely benign for WFS1-related condition. Last evaluated: 2026-06-16. Review status: criteria provided, single submitter. Criteria: ACMG Guidelines, 2015. Collection method: clinical testing. Allele origin: germline.
Comment: This variant is classified as likely benign based on ACMG/AMP sequence variant interpretation guidelines (Richards et al. 2015 PMID: 25741868, with internal and published modifications).

Labcorp Genetics (formerly Invitae), Labcorp
Classification: Likely benign. Last evaluated: 2025-02-10. Review status: criteria provided, single submitter. Criteria: Invitae Variant Classification Sherloc (09022015). Collection method: clinical testing. Allele origin: germline.

Blueprint Genetics
Classification: Likely benign. Last evaluated: 2024-02-28. Review status: criteria provided, single submitter. Criteria: ACMG Guidelines, 2015. Collection method: clinical testing. Allele origin: germline.

Fulgent Genetics
Classification: Likely benign for Cataract 41; Type 2 diabetes mellitus; Wolfram syndrome 1; Autosomal dominant nonsyndromic hearing loss 6; Wolfram-like syndrome. Last evaluated: 2021-10-04. Review status: criteria provided, single submitter. Criteria: ACMG Guidelines, 2015. Collection method: clinical testing. Allele origin: unknown.

GeneDx
Classification: Likely benign. Last evaluated: 2016-09-30. Review status: criteria provided, single submitter. Criteria: GeneDx Variant Classification (06012015). Collection method: clinical testing. Allele origin: germline. Affected: yes.
Comment: This variant is considered likely benign or benign based on one or more of the following criteria: it is a conservative change, it occurs at a poorly conserved position in the protein, it is predicted to be benign by multiple in silico algorithms, and/or has population frequency not consistent with disease.

Clinical Genomics, Uppaluri K&H Personalized Medicine Clinic
Classification: Benign for Wolfram syndrome 1. Review status: criteria provided, single submitter. Criteria: K & H Uppaluri Personalized Medicine Clinic Variant Classification & Assertion Criteria_Updated V.1. Collection method: research. Allele origin: unknown. Inheritance: Autosomal recessive inheritance.
Comment: Potent mutations in WFS1 gene are associated with Wolfram's syndrome, an autosomal recessive condition, which cause diabetes mellitus, diabetes insipidus, deafness and optic atrophy.However no sufficient evidence is found to ascertain the role of this particular variant rs71532858 in Wolfram's syndrome yet.

Literature cited by the submitters: PubMed 17603484 (cited by Clinical Genomics, Uppaluri K&H Personalized Medicine Clinic); PubMed 20301750 (cited by Clinical Genomics, Uppaluri K&H Personalized Medicine Clinic); PubMed 18060660 (cited by Clinical Genomics, Uppaluri K&H Personalized Medicine Clinic); PubMed 12955714 (cited by Clinical Genomics, Uppaluri K&H Personalized Medicine Clinic); PubMed 33879153 (cited by Clinical Genomics, Uppaluri K&H Personalized Medicine Clinic); PubMed 20738327 (cited by Clinical Genomics, Uppaluri K&H Personalized Medicine Clinic).